The following is an entry in ClinVar:

NM_018026.4(PACS1):c.535-1G>A

Gene: PACS1 (phosphofurin acidic cluster sorting protein 1; plus strand). Cytogenetic location: 11q13.2.
Variant type: single nucleotide variant.
Coding change: c.535-1G>A on transcript NM_018026.4 (MANE Select); the canonical splice acceptor site of the intron before coding-DNA position 535, G replaced by A.
Molecular consequence: splice acceptor variant.
Genome position (GRCh38, 1-based): chr11:66,211,133, G>A. VCF-style: chr11-66211133-G-A. GRCh37 (hg19) VCF-style: chr11-65978604-G-A.
Identifiers: ClinVar variation 3724186 (VCV003724186.2).
Genomic context (GRCh38, chr11:66,211,133, plus strand): 5'-AGAACCCCTCAAGGACCCAGCTGCCCATTAACCACGCTCGACTCTGTTTTGTATTTCGTA[G>A]TACCCTCATTTCCTTAAGCGAGATGCCAACAAGCTGCAGATCATGCTGCAAAGGAGAAAA-3'

ClinVar aggregate classification (germline): Uncertain significance (1 of 4 stars; one submission).

Conditions:
Schuurs-Hoeijmakers syndrome. Also called: PACS1-Related Neurodevelopmental Disorder. Identifiers: Orphanet 329224, MedGen C3554343, MONDO:0014006, OMIM 615009.

Submission:

Labcorp Genetics (formerly Invitae), Labcorp
Classification: Uncertain significance for Schuurs-Hoeijmakers syndrome. Last evaluated: 2024-10-30. Review status: criteria provided, single submitter. Criteria: Invitae Variant Classification Sherloc (09022015). Collection method: clinical testing. Allele origin: germline.
Comment: This sequence change affects an acceptor splice site in intron 3 of the PACS1 gene. It is expected to disrupt RNA splicing. Variants that disrupt the donor or acceptor splice site typically lead to a loss of protein function (PMID: 16199547), however the current clinical and genetic evidence is not sufficient to establish whether loss-of-function variants in PACS1 cause disease. This variant is not present in population databases (gnomAD no frequency). Disruption of this splice site has been observed in individual(s) with clinical features of PACS1-related conditions (internal data). Algorithms developed to predict the effect of sequence changes on RNA splicing suggest that this variant may disrupt the consensus splice site. In summary, the available evidence is currently insufficient to determine the role of this variant in disease. Therefore, it has been classified as a Variant of Uncertain Significance.

Literature cited by the submitters: PubMed 16199547.